The following is an entry in ClinVar:

ClinVar aggregate classification (germline): Uncertain significance. Review status: criteria provided, multiple submitters, no conflicts (2 of 4 stars). 2 submissions from 2 submitters: Uncertain significance (2). Last evaluated 2026-02-02.

Allele frequency attached by ClinVar (database versions not stated): TOPMed below 0.00001.
gnomAD v4.1: 11 of 1,614,026 alleles (0.00068%); highest among the groups gnomAD compares: Middle Eastern, 0.016%; no homozygotes.

Submissions (2):

Labcorp Genetics (formerly Invitae), Labcorp
Classification: Uncertain significance. Last evaluated: 2026-02-02. Review status: criteria provided, single submitter. Criteria: Invitae Variant Classification Sherloc (09022015). Collection method: clinical testing. Allele origin: germline.
Comment: This sequence change replaces asparagine, which is neutral and polar, with serine, which is neutral and polar, at codon 40 of the CIB2 protein (p.Asn40Ser). This variant is not present in population databases (gnomAD no frequency). This variant has not been reported in the literature in individuals affected with CIB2-related conditions. ClinVar contains an entry for this variant (Variation ID: 2199109). An algorithm developed to predict the effect of missense changes on protein structure and function (PolyPhen-2) suggests that this variant is likely to be tolerated. In summary, the available evidence is currently insufficient to determine the role of this variant in disease. Therefore, it has been classified as a Variant of Uncertain Significance.

Breakthrough Genomics
Classification: Uncertain significance. Review status: criteria provided, single submitter. Criteria: ACMG Guidelines, 2015. Collection method: not provided. Allele origin: germline. Inheritance: Autosomal recessive inheritance. Affected: yes.

NM_006383.4(CIB2):c.119A>G (p.Asn40Ser)

Gene: CIB2 (calcium and integrin binding family member 2; minus strand). Cytogenetic location: 15q25.1.
Variant type: single nucleotide variant.
Coding change: c.119A>G on transcript NM_006383.4 (MANE Select); coding-DNA position 119, A replaced by G.
Protein change: p.Asn40Ser; replaces asparagine 40 with serine.
Molecular consequence: missense variant. On other transcripts: 5 prime UTR variant (1), intron variant (2).
Genome position (GRCh38, 1-based): chr15:78,111,244, T>C on the plus strand (A>G on the coding strand, the complement: CIB2 is on the minus strand). VCF-style: chr15-78111244-T-C. GRCh37 (hg19) VCF-style: chr15-78403586-T-C.
Other names: c.-11A>G (NM_001271888.2); c.52-1862A>G (NM_001271889.2); c.87-1735A>G (NM_001301224.2); short protein forms N40S.
Identifiers: ClinVar variation 2199109 (VCV002199109.3), dbSNP rs2074154805, ClinGen allele CA393548009.